The following is an entry in ClinVar:

ClinVar aggregate classification (germline): Uncertain significance (1 of 4 stars; one submission).

Conditions:
Charcot-Marie-Tooth disease type 2. Also called: Charcot-Marie-Tooth type 2. Identifiers: Orphanet 64746, MedGen C0270914, MONDO:0018993.

gnomAD v4.1: 1 of 1,604,098 alleles (0.000062%); highest among the groups gnomAD compares: Non-Finnish European, 0.000085%; no homozygotes.

Submission:

Labcorp Genetics (formerly Invitae), Labcorp
Classification: Uncertain significance for Charcot-Marie-Tooth disease type 2. Last evaluated: 2025-04-07. Review status: criteria provided, single submitter. Criteria: Invitae Variant Classification Sherloc (09022015). Collection method: clinical testing. Allele origin: germline.
Comment: This sequence change falls in intron 5 of the GARS gene. It does not directly change the encoded amino acid sequence of the GARS protein. This variant is not present in population databases (gnomAD no frequency). This variant has not been reported in the literature in individuals affected with GARS-related conditions. Algorithms developed to predict the effect of sequence changes on RNA splicing suggest that this variant may disrupt the consensus splice site. In summary, the available evidence is currently insufficient to determine the role of this variant in disease. Therefore, it has been classified as a Variant of Uncertain Significance.

NM_002047.4(GARS1):c.659-15A>G

Gene: GARS1 (glycyl-tRNA synthetase 1; plus strand). Cytogenetic location: 7p14.3.
Variant type: single nucleotide variant.
Coding change: c.659-15A>G on transcript NM_002047.4 (MANE Select); 15 bases into the intron before coding-DNA position 659, A replaced by G.
Molecular consequence: intron variant.
Genome position (GRCh38, 1-based): chr7:30,603,481, A>G. VCF-style: chr7-30603481-A-G. GRCh37 (hg19) VCF-style: chr7-30643097-A-G.
Other names: c.497-15A>G (NM_001316772.1).
Identifiers: ClinVar variation 4696597 (VCV004696597.1).